The following is an entry in ClinVar:

NM_024408.4(NOTCH2):c.3652C>T (p.Arg1218Trp)

Gene: NOTCH2 (notch receptor 2; minus strand). Cytogenetic location: 1p12.
Variant type: single nucleotide variant.
Coding change: c.3652C>T on transcript NM_024408.4 (MANE Select); coding-DNA position 3652, C replaced by T.
Protein change: p.Arg1218Trp; replaces arginine 1218 with tryptophan.
Molecular consequence: missense variant.
Genome position (GRCh38, 1-based): chr1:119,935,475, G>A on the plus strand (C>T on the coding strand, the complement: NOTCH2 is on the minus strand). VCF-style: chr1-119935475-G-A. GRCh37 (hg19) VCF-style: chr1-120478098-G-A.
Other names: c.3652C>T, p.Arg1218Trp (NM_001200001.2); short protein forms R1218W.
Identifiers: ClinVar variation 532029 (VCV000532029.13), dbSNP rs587641573, ClinGen allele CA1040015.

ClinVar aggregate classification (germline): Uncertain significance. Review status: criteria provided, single submitter (1 of 4 stars). 2 submissions from 2 submitters: Uncertain significance (1). 1 of the submissions does not count toward it. Last evaluated 2020-06-26.

Conditions:
Hajdu-Cheney syndrome (HJCYS). Also called: Acroosteolysis dominant type; SERPENTINE FIBULA-POLYCYSTIC KIDNEY SYNDROME; ACROOSTEOLYSIS WITH OSTEOPOROSIS AND CHANGES IN SKULL AND MANDIBLE. Identifiers: Orphanet 955, MedGen C0917715, MONDO:0007057, OMIM 102500.
NOTCH2-related disorder. Also called: NOTCH2-related condition.

Allele frequency attached by ClinVar (database versions not stated): gnomAD exomes 0.00001; ExAC 0.00002; gnomAD 0.00003; TOPMed 0.00002; 1000 Genomes Project 30x 0.00016; 1000 Genomes Project 0.00020.
gnomAD v4.1: 20 of 1,614,116 alleles (0.0012%); highest among the groups gnomAD compares: African/African-American, 0.008%; no homozygotes.

Submissions (2):

Labcorp Genetics (formerly Invitae), Labcorp
Classification: Uncertain significance for Hajdu-Cheney syndrome. Last evaluated: 2020-06-26. Review status: criteria provided, single submitter. Criteria: Invitae Variant Classification Sherloc (09022015). Collection method: clinical testing. Allele origin: germline.
Comment: This sequence change replaces arginine with tryptophan at codon 1218 of the NOTCH2 protein (p.Arg1218Trp). The arginine residue is highly conserved and there is a moderate physicochemical difference between arginine and tryptophan. In summary, the available evidence is currently insufficient to determine the role of this variant in disease. Therefore, it has been classified as a Variant of Uncertain Significance. Algorithms developed to predict the effect of missense changes on protein structure and function (SIFT, PolyPhen-2, Align-GVGD) all suggest that this variant is likely to be disruptive, but these predictions have not been confirmed by published functional studies and their clinical significance is uncertain. This variant has not been reported in the literature in individuals with NOTCH2-related disease. This variant is present in population databases (rs587641573, ExAC 0.01%).

PreventionGenetics, part of Exact Sciences
Classification: Uncertain significance for NOTCH2-related condition. Last evaluated: 2024-07-23. Review status: no assertion criteria provided. Collection method: clinical testing. Allele origin: germline. Not counted in ClinVar's aggregate classification.
Comment: The NOTCH2 c.3652C>T variant is predicted to result in the amino acid substitution p.Arg1218Trp. To our knowledge, this variant has not been reported in the literature. This variant is reported in 0.0080% of alleles in individuals of African descent in gnomAD. At this time, the clinical significance of this variant is uncertain due to the absence of conclusive functional and genetic evidence.